The following is an entry in ClinVar:

ClinVar aggregate classification (germline): Uncertain significance. Review status: criteria provided, multiple submitters, no conflicts (2 of 4 stars). 8 submissions from 8 submitters: Uncertain significance (7). 1 of the submissions does not count toward it. Last evaluated 2026-01-28.

Conditions:
Hereditary cancer-predisposing syndrome. Also called: Hereditary Cancer Syndrome; Tumor predisposition; Hereditary neoplastic syndrome; Neoplastic Syndromes, Hereditary. Identifiers: Orphanet 140162, MedGen C0027672, MeSH D009386, MONDO:0015356.
Familial cancer of breast. Also called: Hereditary breast cancer; hereditary breast carcinoma; BREAST CANCER, FAMILIAL. Identifiers: Orphanet 227535, MedGen C0346153, MONDO:0016419, OMIM 114480. Disease mechanism: loss of function.

Allele frequency attached by ClinVar (database versions not stated): gnomAD exomes below 0.00001.
gnomAD v4.1: 3 of 1,613,202 alleles (0.00019%); highest among the groups gnomAD compares: East Asian, 0.0022%; no homozygotes.

Submissions (8):

Labcorp Genetics (formerly Invitae), Labcorp
Classification: Uncertain significance for Familial cancer of breast. Last evaluated: 2026-01-28. Review status: criteria provided, single submitter. Criteria: Invitae Variant Classification Sherloc (09022015). Collection method: clinical testing. Allele origin: germline.
Comment: This sequence change replaces alanine, which is neutral and non-polar, with serine, which is neutral and polar, at codon 946 of the PALB2 protein (p.Ala946Ser). This variant is not present in population databases (gnomAD no frequency). This variant has not been reported in the literature in individuals affected with PALB2-related conditions. ClinVar contains an entry for this variant (Variation ID: 241552). An algorithm developed to predict the effect of missense changes on protein structure and function outputs the following: PolyPhen-2: "Benign". The serine amino acid residue is found in multiple mammalian species, which suggests that this missense change does not adversely affect protein function. RNA analysis performed to evaluate the impact of this missense change on mRNA splicing indicates it does not significantly alter splicing (internal data). In summary, the available evidence is currently insufficient to determine the role of this variant in disease. Therefore, it has been classified as a Variant of Uncertain Significance.

Ambry Genetics
Classification: Uncertain significance for Hereditary cancer-predisposing syndrome. Last evaluated: 2025-05-11. Review status: criteria provided, single submitter. Criteria: Ambry Variant Classification Scheme 2023. Collection method: clinical testing. Allele origin: germline.
Comment: The p.A946S variant (also known as c.2836G>T), located in coding exon 9 of the PALB2 gene, results from a G to T substitution at nucleotide position 2836. The alanine at codon 946 is replaced by serine, an amino acid with similar properties. An alteration at the same codon, p.A946G (c.2837C>G), has been reported in 1 of 132 Spanish breast/ovarian cancer families with pancreatic cancer cases (Blanco A et al. PLoS ONE. 2013 Jul;8:e67538). This amino acid position is not well conserved in available vertebrate species. In addition, this alteration is predicted to be tolerated by in silico analysis. Since supporting evidence is limited at this time, the clinical significance of this alteration remains unclear.

Color Diagnostics, LLC DBA Color Health
Classification: Uncertain significance for Hereditary cancer-predisposing syndrome. Last evaluated: 2024-12-11. Review status: criteria provided, single submitter. Criteria: ACMG Guidelines, 2015. Collection method: clinical testing. Allele origin: germline.
Comment: This missense variant replaces alanine with serine at codon 946 of the PALB2 protein. Computational prediction suggests that this variant may not impact protein structure and function. To our knowledge, functional studies have not been reported for this variant. This variant has not been reported in individuals affected with hereditary cancer in the literature. This variant has not been identified in the general population by the Genome Aggregation Database (gnomAD). The available evidence is insufficient to determine the role of this variant in disease conclusively. Therefore, this variant is classified as a Variant of Uncertain Significance.

GeneDx
Classification: Uncertain significance. Last evaluated: 2023-11-28. Review status: criteria provided, single submitter. Criteria: GeneDx Variant Classification Process June 2021. Collection method: clinical testing. Allele origin: germline. Affected: yes.
Comment: Not observed at significant frequency in large population cohorts (gnomAD); In silico analysis supports that this missense variant does not alter protein structure/function; Has not been previously published as pathogenic or benign to our knowledge; This variant is associated with the following publications: (PMID: 19609323, 20871615, 24485656, 23935836)

Blueprint Genetics
Classification: Uncertain significance. Last evaluated: 2023-06-12. Review status: criteria provided, single submitter. Criteria: ACMG Guidelines, 2015. Collection method: clinical testing. Allele origin: germline.

Myriad Genetics, Inc.
Classification: Uncertain significance for Familial cancer of breast. Last evaluated: 2023-03-30. Review status: criteria provided, single submitter. Criteria: Myriad Autosomal Dominant, Autosomal Recessive and X-Linked Classification Criteria (2023). Collection method: clinical testing. Allele origin: unknown.
Comment: This variant is classified as a variant of uncertain significance as there is insufficient evidence to determine its impact on protein function and/or cancer risk.

Quest Diagnostics Nichols Institute San Juan Capistrano
Classification: Uncertain significance. Last evaluated: 2021-05-28. Review status: criteria provided, single submitter. Criteria: Quest Diagnostics criteria. Collection method: clinical testing. Allele origin: unknown.

Counsyl
Classification: Uncertain significance for Familial cancer of breast. Last evaluated: 2017-11-13. Review status: no assertion criteria provided. Collection method: clinical testing. Allele origin: unknown. Not counted in ClinVar's aggregate classification.

Literature cited by the submitters: PubMed 23935836 (cited by Ambry Genetics).

NM_024675.4(PALB2):c.2836G>T (p.Ala946Ser)

Gene: PALB2 (partner and localizer of BRCA2; minus strand). Cytogenetic location: 16p12.2.
Variant type: single nucleotide variant.
Coding change: c.2836G>T on transcript NM_024675.4 (MANE Select); coding-DNA position 2836, G replaced by T.
Protein change: p.Ala946Ser; replaces alanine 946 with serine.
Molecular consequence: missense variant.
Genome position (GRCh38, 1-based): chr16:23,623,129, C>A on the plus strand (G>T on the coding strand, the complement: PALB2 is on the minus strand). VCF-style: chr16-23623129-C-A. GRCh37 (hg19) VCF-style: chr16-23634450-C-A.
Other names: short protein forms A946S.
Identifiers: ClinVar variation 241552 (VCV000241552.25), dbSNP rs878855113, ClinGen allele CA10583355.